The following is an entry in ClinVar:

ClinVar aggregate classification (germline): Uncertain significance (1 of 4 stars; one submission).

Submission:

Labcorp Genetics (formerly Invitae), Labcorp
Classification: Uncertain significance. Last evaluated: 2021-09-07. Review status: criteria provided, single submitter. Criteria: Invitae Variant Classification Sherloc (09022015). Collection method: clinical testing. Allele origin: germline.
Comment: In summary, the available evidence is currently insufficient to determine the role of this variant in disease. Therefore, it has been classified as a Variant of Uncertain Significance. Algorithms developed to predict the effect of missense changes on protein structure and function (SIFT, PolyPhen-2, Align-GVGD) all suggest that this variant is likely to be disruptive. This variant has not been reported in the literature in individuals affected with NLRP1-related conditions. This variant is not present in population databases (ExAC no frequency). This sequence change replaces alanine with valine at codon 1185 of the NLRP1 protein (p.Ala1185Val). The alanine residue is highly conserved and there is a small physicochemical difference between alanine and valine.

NM_033004.4(NLRP1):c.3554C>T (p.Ala1185Val)

Gene: NLRP1 (NLR family pyrin domain containing 1; minus strand). Cytogenetic location: 17p13.2.
Variant type: single nucleotide variant.
Coding change: c.3554C>T on transcript NM_033004.4 (MANE Select); coding-DNA position 3554, C replaced by T.
Protein change: p.Ala1185Val; replaces alanine 1185 with valine.
Molecular consequence: missense variant.
Genome position (GRCh38, 1-based): chr17:5,521,753, G>A on the plus strand (C>T on the coding strand, the complement: NLRP1 is on the minus strand). VCF-style: chr17-5521753-G-A. GRCh37 (hg19) VCF-style: chr17-5425073-G-A.
Other names: c.3566C>T, p.Ala1189Val (NM_001033053.3); c.3554C>T, p.Ala1185Val (NM_014922.5); c.3464C>T, p.Ala1155Val (NM_033006.4, NM_033007.4); short protein forms A1155V, A1189V, A1185V.
Identifiers: ClinVar variation 1380092 (VCV001380092.6), dbSNP rs1474111916, ClinGen allele CA397389436.
Genomic context (GRCh38, chr17:5,521,753, plus strand): 5'-ATGTGATGCAGCTCCACCCTGGCTGGCTTCTCCAGGAGCATCCCCTCCTCTTTAAAGTGG[G>A]CCATTTGGAACAGGGATGTGTCCACATGGCCCCCTGTAAAAGAATGGATTGAAGAGGCAC-3'
Protein context (NP_127497.1, residues 1175-1195): GHVDTSLFQM[Ala1185Val]HFKEEGMLLE